The following is an entry in ClinVar:

NM_000455.5(STK11):c.1194G>T (p.Ala398=)

Gene: STK11 (serine/threonine kinase 11; plus strand). Cytogenetic location: 19p13.3.
Variant type: single nucleotide variant.
Coding change: c.1194G>T on transcript NM_000455.5 (MANE Select); coding-DNA position 1194, G replaced by T.
Protein change: p.Ala398=; no amino-acid change (alanine 398 retained).
Molecular consequence: synonymous variant.
Genome position (GRCh38, 1-based): chr19:1,226,539, G>T. VCF-style: chr19-1226539-G-T. GRCh37 (hg19) VCF-style: chr19-1226538-G-T.
Identifiers: ClinVar variation 928038 (VCV000928038.6), dbSNP rs184271025, ClinGen allele CA504708532.

ClinVar aggregate classification (germline): Conflicting classifications of pathogenicity. Review status: criteria provided, conflicting classifications (1 of 4 stars). 4 submissions from 4 submitters: Uncertain significance (1); Benign (1); Likely benign (2). Last evaluated 2025-03-28.

Conditions:
Hereditary cancer-predisposing syndrome. Also called: Tumor predisposition; Hereditary neoplastic syndrome; Neoplastic Syndromes, Hereditary; Hereditary Cancer Syndrome. Identifiers: Orphanet 140162, MedGen C0027672, MeSH D009386, MONDO:0015356.
Peutz-Jeghers syndrome (PJS). Also called: POLYPOSIS, HAMARTOMATOUS INTESTINAL; POLYPS-AND-SPOTS SYNDROME; Peutz-Jeghers polyposis; Periorificial lentiginosis syndrome. Identifiers: Orphanet 2869, MedGen C0031269, MeSH D010580, MONDO:0008280, OMIM 175200.

Submissions (4):

Myriad Genetics, Inc.
Classification: Benign for Peutz-Jeghers syndrome. Last evaluated: 2025-03-28. Review status: criteria provided, single submitter. Criteria: Myriad Autosomal Dominant, Autosomal Recessive and X-Linked Classification Criteria (2023). Collection method: clinical testing. Allele origin: unknown.
Comment: This variant is considered benign. This variant is a silent/synonymous amino acid change and it is not expected to impact splicing.

Quest Diagnostics Nichols Institute San Juan Capistrano
Classification: Uncertain significance. Last evaluated: 2024-05-13. Review status: criteria provided, single submitter. Criteria: Quest Diagnostics criteria. Collection method: clinical testing. Allele origin: unknown.
Comment: The STK11 c.1194G>T (p.Ala398=) synonymous variant has not been reported in individuals with STK11-related conditions in the published literature. It also has not been reported in large, multi-ethnic general populations (Genome Aggregation Database). Analysis of this variant using software algorithms for the prediction of the effect of nucleotide changes on splicing yielded predictions that this variant does not affect STK11 mRNA splicing. Based on the available information, we are unable to determine the clinical significance of this variant.

Labcorp Genetics (formerly Invitae), Labcorp
Classification: Likely benign for Peutz-Jeghers syndrome. Last evaluated: 2024-04-09. Review status: criteria provided, single submitter. Criteria: Invitae Variant Classification Sherloc (09022015). Collection method: clinical testing. Allele origin: germline.

Color Diagnostics, LLC DBA Color Health
Classification: Likely benign for Hereditary cancer-predisposing syndrome. Last evaluated: 2019-03-19. Review status: criteria provided, single submitter. Criteria: ACMG Guidelines, 2015. Collection method: clinical testing. Allele origin: germline.